The following is an entry in ClinVar:

ClinVar aggregate classification (germline): Uncertain significance (1 of 4 stars; one submission).

Allele frequency attached by ClinVar (database versions not stated): ExAC 0.00002; gnomAD 0.00002 and 0.00003; gnomAD exomes 0.00003 and 0.00007; TOPMed 0.00003.
gnomAD v4.1: 103 of 1,614,030 alleles (0.0064%); highest among the groups gnomAD compares: Non-Finnish European, 0.0086%; no homozygotes.

Submission:

Labcorp Genetics (formerly Invitae), Labcorp
Classification: Uncertain significance. Last evaluated: 2022-10-18. Review status: criteria provided, single submitter. Criteria: Invitae Variant Classification Sherloc (09022015). Collection method: clinical testing. Allele origin: germline.
Comment: This sequence change replaces alanine, which is neutral and non-polar, with valine, which is neutral and non-polar, at codon 702 of the ERCC3 protein (p.Ala702Val). This variant is present in population databases (rs563550613, gnomAD 0.005%). This variant has not been reported in the literature in individuals affected with ERCC3-related conditions. ClinVar contains an entry for this variant (Variation ID: 331075). Advanced modeling of protein sequence and biophysical properties (such as structural, functional, and spatial information, amino acid conservation, physicochemical variation, residue mobility, and thermodynamic stability) performed at Invitae indicates that this missense variant is not expected to disrupt ERCC3 protein function. In summary, the available evidence is currently insufficient to determine the role of this variant in disease. Therefore, it has been classified as a Variant of Uncertain Significance.

NM_000122.2(ERCC3):c.2105C>T (p.Ala702Val)

Gene: ERCC3 (ERCC excision repair 3, TFIIH core complex helicase subunit; minus strand). Cytogenetic location: 2q14.3.
Variant type: single nucleotide variant.
Coding change: c.2105C>T on transcript NM_000122.2 (MANE Select); coding-DNA position 2105, C replaced by T.
Protein change: p.Ala702Val; replaces alanine 702 with valine.
Molecular consequence: missense variant.
Genome position (GRCh38, 1-based): chr2:127,259,408, G>A on the plus strand (C>T on the coding strand, the complement: ERCC3 is on the minus strand). VCF-style: chr2-127259408-G-A. GRCh37 (hg19) VCF-style: chr2-128016984-G-A.
Other names: c.1913C>T, p.Ala638Val (NM_001303416.2, NM_001303418.2); short protein forms A702V, A638V.
Identifiers: ClinVar variation 331075 (VCV000331075.10), dbSNP rs563550613, ClinGen allele CA1858082.